The following is an entry in ClinVar:

ClinVar aggregate classification (germline): Pathogenic (1 of 4 stars; one submission).

Conditions:
Ataxia-telangiectasia-like disorder (ATLD). Identifiers: MedGen C1858391, MONDO:0011457.

Submission:

Labcorp Genetics (formerly Invitae), Labcorp
Classification: Pathogenic for Ataxia-telangiectasia-like disorder. Last evaluated: 2024-08-12. Review status: criteria provided, single submitter. Criteria: Invitae Variant Classification Sherloc (09022015). Collection method: clinical testing. Allele origin: germline.
Comment: This sequence change inserts a large fragment of DNA, likely a transposable element, in exon 2 of the MRE11 gene (c.13_14ins?), causing a frameshift at codon 5 (p.Asp5fs). The exact size and sequence of the insertion cannot be determined by the current assay. However, the insertion is expected to result in an absent or disrupted protein product. This variant is not present in population databases (gnomAD no frequency). This variant has not been reported in the literature in individuals affected with MRE11-related conditions. ClinVar contains an entry for this variant (Variation ID: 2002130). Retrotransposon insertions including LINE1 (L1), Alu, and SVA (SINE-VNTR-Alu) have been reported to be disease-causing through disruption of either a coding region or splice site (PMID: 19763152, 20307669, 22406018) and loss-of-function variants in MRE11 are known to be pathogenic (PMID: 23080121, 23912341). For these reasons, this variant has been classified as Pathogenic.

Literature cited by the submitters: PubMed 19763152; PubMed 20307669; PubMed 22406018; PubMed 23080121; PubMed 23912341.

NM_005591.4(MRE11):c.-4_13A[5]TGAGTACTGCAGGCCGGTCGCGGTGGCTCACGCCTGTAATCCCAGCACTTTGGGAGGCCGAGGCGGGCGGATCACGAGNNNNNNNNNNAAAAAAAAAAAAAAAAAAAAAAAAATGAGTACTGCAG[1] (p.Asp5delinsGlyArgSerArgTrpLeuThrProValIleProAlaLeuTrpGluAlaGluAlaGlyGlySerArgXaaXaaXaaXaaLysLysLysLysLysLysLysLysTer)

Gene: MRE11 (MRE11 double strand break repair nuclease; minus strand). Cytogenetic location: 11q21.
Variant type: Insertion.
Coding change: c.-4_13A[5]TGAGTACTGCAGGCCGGTCGCGGTGGCTCACGCCTGTAATCCCAGCACTTTGGGAGGCCGAGGCGGGCGGATCACGAGNNNNNNNNNNAAAAAAAAAAAAAAAAAAAAAAAAATGAGTACTGCAG[1] on transcript NM_005591.4 (MANE Select).
Protein change: p.Asp5delinsGlyArgSerArgTrpLeuThrProValIleProAlaLeuTrpGluAlaGluAlaGlyGlySerArgXaaXaaXaaXaaLysLysLysLysLysLysLysLysTer.
Molecular consequence: nonsense, initiator codon variant.
Genome position: GRCh38: chr11:94,492,805-94,492,806. GRCh37 (hg19): chr11:94,225,971-94,225,972.
Other names: c.-4_13A[5]TGAGTACTGCAGGCCGGTCGCGGTGGCTCACGCCTGTAATCCCAGCACTTTGGGAGGCCGAGGCGGGCGGATCACGAGNNNNNNNNNNAAAAAAAAAAAAAAAAAAAAAAAAATGAGTACTGCAG[1], p.Asp5delinsGlyArgSerArgTrpLeuThrProValIleProAlaLeuTrpGluAlaGluAlaGlyGlySerArgXaaXaaXaaXaaLysLysLysLysLysLysLysLysTer (NM_001330347.2, NM_005590.4).
Identifiers: ClinVar variation 2002130 (VCV002002130.5), dbSNP rs2496667489.